The following is an entry in ClinVar:

ClinVar aggregate classification (germline): Conflicting classifications of pathogenicity. Review status: criteria provided, conflicting classifications (1 of 4 stars). 5 submissions from 5 submitters: Uncertain significance (4); Likely benign (1). Last evaluated 2026-05-04.

Conditions:
Ehlers-Danlos syndrome (EDS). Identifiers: Orphanet 98249, MedGen C0013720, MONDO:0020066.
Cardiovascular phenotype. Identifiers: MedGen CN230736.

Allele frequency attached by ClinVar (database versions not stated): gnomAD exomes 0.00007; ExAC 0.00008.
gnomAD v4.1: 181 of 1,548,656 alleles (0.012%); highest among the groups gnomAD compares: Non-Finnish European, 0.015%; no homozygotes.

Submissions (5):

Women's Health and Genetics/Laboratory Corporation of America, LabCorp
Classification: Uncertain significance. Last evaluated: 2026-05-04. Review status: criteria provided, single submitter. Criteria: LabCorp Variant Classification Summary - May 2015. Collection method: clinical testing. Allele origin: germline.
Comment: Variant summary: ZNF469 c.1507C>T (p.Arg503Trp) results in a non-conservative amino acid change in the encoded protein sequence. Algorithms developed to predict the effect of missense changes on protein structure and function are either unavailable or do not agree on the potential impact of this missense change. The variant allele was found at a frequency of 0.00012 in 1541734 control chromosomes. This frequency is not significantly higher than estimated for disease-causing variants in ZNF469, allowing no conclusion about variant significance. c.1507C>T has been observed in individual(s) affected with corneal diseases (e.g. Lucas_2017, Li_2021), however, no supportive evidence for the causal role of the variant was provided. These reports do not provide unequivocal conclusions about association of the variant with Brittle cornea syndrome 1. To our knowledge, no experimental evidence demonstrating an impact on protein function has been reported. The following publications have been ascertained in the context of this evaluation (PMID: 33816482, 29228253). ClinVar contains an entry for this variant (Variation ID: 1302603). Based on the evidence outlined above, the variant was classified as uncertain significance.

Ambry Genetics
Classification: Likely benign for Cardiovascular phenotype. Last evaluated: 2025-03-27. Review status: criteria provided, single submitter. Criteria: Ambry Variant Classification Scheme 2023. Collection method: clinical testing. Allele origin: germline.

Labcorp Genetics (formerly Invitae), Labcorp
Classification: Uncertain significance. Last evaluated: 2022-07-24. Review status: criteria provided, single submitter. Criteria: Invitae Variant Classification Sherloc (09022015). Collection method: clinical testing. Allele origin: germline.
Comment: This sequence change replaces arginine, which is basic and polar, with tryptophan, which is neutral and slightly polar, at codon 503 of the ZNF469 protein (p.Arg503Trp). This variant is present in population databases (rs767072775, gnomAD 0.02%). This missense change has been observed in individual(s) with clinical features of ZNF469-related conditions (PMID: 29228253, 33816482). ClinVar contains an entry for this variant (Variation ID: 1302603). Algorithms developed to predict the effect of missense changes on protein structure and function are either unavailable or do not agree on the potential impact of this missense change (SIFT: "Deleterious"; PolyPhen-2: "Benign"; Align-GVGD: "Class C0"). In summary, the available evidence is currently insufficient to determine the role of this variant in disease. Therefore, it has been classified as a Variant of Uncertain Significance.

Genome Diagnostics Laboratory, The Hospital for Sick Children
Classification: Uncertain significance for Ehlers-Danlos syndrome. Last evaluated: 2019-09-01. Review status: criteria provided, single submitter. Criteria: ACMG Guidelines, 2015. Collection method: clinical testing. Allele origin: germline.

GeneDx
Classification: Uncertain significance. Last evaluated: 2019-07-01. Review status: criteria provided, single submitter. Criteria: GeneDx Variant Classification Process June 2021. Collection method: clinical testing. Allele origin: germline. Affected: yes.
Comment: This variant is associated with the following publications: (PMID: 29228253)

Literature cited by the submitters: PubMed 33816482 (cited by 3 submitters); PubMed 29228253 (cited by 3 submitters).

NM_001367624.2(ZNF469):c.1507C>T (p.Arg503Trp)

Gene: ZNF469 (zinc finger protein 469; plus strand). Cytogenetic location: 16q24.2.
Variant type: single nucleotide variant.
Coding change: c.1507C>T on transcript NM_001367624.2 (MANE Select); coding-DNA position 1507, C replaced by T.
Protein change: p.Arg503Trp; replaces arginine 503 with tryptophan.
Molecular consequence: missense variant.
Genome position (GRCh38, 1-based): chr16:88,428,977, C>T. VCF-style: chr16-88428977-C-T. GRCh37 (hg19) VCF-style: chr16-88495385-C-T.
Other names: NM_001127464.1:c.1507C>T; NM_001127464.2:c.1507C>T; short protein forms R503W.
Identifiers: ClinVar variation 1302603 (VCV001302603.13), dbSNP rs767072775, ClinGen allele CA8224682.
Genomic context (GRCh38, chr16:88,428,977, plus strand): 5'-CCTTGGCCCCAAGTGCTCCCGACCGCCCGGCCAAGTCCCCACGGAATGGAGATGCTGAGC[C>T]GGCTGCCTTTCCCCGCGGGGGGCCCCGAGTGGCAGGGGGGCAGCCAAGGAGCCCTGGGCA-3'
Protein context (NP_001354553.1, residues 493-513): PSPHGMEMLS[Arg503Trp]LPFPAGGPEW